The following is an entry in ClinVar:

ClinVar aggregate classification (germline): Benign/Likely benign. Review status: criteria provided, multiple submitters, no conflicts (2 of 4 stars). 3 submissions from 3 submitters: Benign (1); Likely benign (2). Last evaluated 2024-06-03.

Conditions:
Familial cancer of breast. Also called: Hereditary breast cancer; BREAST CANCER, FAMILIAL; hereditary breast carcinoma. Identifiers: Orphanet 227535, MedGen C0346153, MONDO:0016419, OMIM 114480. Disease mechanism: loss of function.
Ataxia-telangiectasia syndrome (AT). Also called: Ataxia-telangiectasia, complementation group D; AT, COMPLEMENTATION GROUP C; ATAXIA-TELANGIECTASIA, COMPLEMENTATION GROUP A; ATAXIA-TELANGIECTASIA, FRESNO VARIANT; Ataxia-telangiectasia; LOUIS-BAR SYNDROME. Identifiers: Orphanet 100, MedGen C0004135, MONDO:0008840, OMIM 208900.

Submissions (3):

Myriad Genetics, Inc.
Classification: Benign for Familial cancer of breast. Last evaluated: 2024-06-03. Review status: criteria provided, single submitter. Criteria: Myriad Autosomal Dominant, Autosomal Recessive and X-Linked Classification Criteria (2023). Collection method: clinical testing. Allele origin: unknown.
Comment: This variant is considered benign. This variant is a silent/synonymous amino acid change and it is not expected to impact splicing.

Women's Health and Genetics/Laboratory Corporation of America, LabCorp
Classification: Likely benign. Last evaluated: 2019-08-21. Review status: criteria provided, single submitter. Criteria: LabCorp Variant Classification Summary - May 2015. Collection method: clinical testing. Allele origin: germline.

Labcorp Genetics (formerly Invitae), Labcorp
Classification: Likely benign for Ataxia-telangiectasia syndrome. Last evaluated: 2018-09-03. Review status: criteria provided, single submitter. Criteria: Invitae Variant Classification Sherloc (09022015). Collection method: clinical testing. Allele origin: germline.

NM_000051.4(ATM):c.6120A>G (p.Ala2040=)

Genes: ATM (ATM serine/threonine kinase; plus strand), C11orf65 (chromosome 11 open reading frame 65; minus strand). Cytogenetic location: 11q22.3.
Variant type: single nucleotide variant.
Coding change: c.6120A>G on transcript NM_000051.4 (MANE Select); coding-DNA position 6120, A replaced by G.
Protein change: p.Ala2040=; no amino-acid change (alanine 2040 retained).
Molecular consequence: synonymous variant. On other transcripts: intron variant (2).
Genome position (GRCh38, 1-based): chr11:108,316,035, A>G. VCF-style: chr11-108316035-A-G. GRCh37 (hg19) VCF-style: chr11-108186762-A-G.
Other names: c.6120A>G, p.Ala2040= (NM_001351834.2); c.641-6964T>C (NM_001330368.2); c.*39-6964T>C (NM_001351110.2).
Identifiers: ClinVar variation 633059 (VCV000633059.12), dbSNP rs1565499622, ClinGen allele CA476675639.